The following is an entry in ClinVar:

NM_000096.4(CP):c.19G>C (p.Gly7Arg)

Gene: CP (ceruloplasmin; minus strand). Cytogenetic location: 3q25.1.
Variant type: single nucleotide variant.
Coding change: c.19G>C on transcript NM_000096.4 (MANE Select); coding-DNA position 19, G replaced by C.
Protein change: p.Gly7Arg; replaces glycine 7 with arginine.
Molecular consequence: missense variant. On other transcripts: non-coding transcript variant (1).
Genome position (GRCh38, 1-based): chr3:149,221,774, C>G on the plus strand (G>C on the coding strand, the complement: CP is on the minus strand). VCF-style: chr3-149221774-C-G. GRCh37 (hg19) VCF-style: chr3-148939561-C-G.
Other names: short protein forms G7R.
Identifiers: ClinVar variation 1995651 (VCV001995651.4), dbSNP rs2472907915, ClinGen allele CA354923781.
Genomic context (GRCh38, chr3:149,221,774, plus strand): 5'-CAATGTAATAATGCTTTTCTTTCGCCCAGGCTGGGGTACTACATAAAAACAGAAAAATAC[C>G]AAGTATCAAAATCTTCATTTTTTTCCCCTTCTTGGAGCCTGAGAAGAAATGAAGTAAAAT-3'
Protein context (NP_000087.2, residues 1-17): MKILIL[Gly7Arg]IFLFLCSTPA

ClinVar aggregate classification (germline): Uncertain significance (1 of 4 stars; one submission).

Conditions:
Deficiency of ferroxidase (ACEP). Also called: Ceruloplasmin deficiency; Familial apoceruloplasmin deficiency; Hereditary ceruloplasmin deficiency; NEURODEGENERATION WITH BRAIN IRON ACCUMULATION 10; Aceruloplasminemia; Deficiency of ceruloplasmin. Identifiers: Orphanet 48818, MedGen C0878682, MONDO:0011426, OMIM 604290, HP:0025498.

Submission:

Labcorp Genetics (formerly Invitae), Labcorp
Classification: Uncertain significance for Deficiency of ferroxidase. Last evaluated: 2022-08-22. Review status: criteria provided, single submitter. Criteria: Invitae Variant Classification Sherloc (09022015). Collection method: clinical testing. Allele origin: germline.
Comment: In summary, the available evidence is currently insufficient to determine the role of this variant in disease. Therefore, it has been classified as a Variant of Uncertain Significance. Algorithms developed to predict the effect of missense changes on protein structure and function (SIFT, PolyPhen-2, Align-GVGD) all suggest that this variant is likely to be tolerated. This variant has not been reported in the literature in individuals affected with CP-related conditions. This variant is not present in population databases (gnomAD no frequency). This sequence change replaces glycine, which is neutral and non-polar, with arginine, which is basic and polar, at codon 7 of the CP protein (p.Gly7Arg).